The following is an entry in ClinVar:

NM_002582.4(PARN):c.1559A>G (p.Lys520Arg)

Gene: PARN (poly(A)-specific ribonuclease; minus strand). Cytogenetic location: 16p13.12.
Variant type: single nucleotide variant.
Coding change: c.1559A>G on transcript NM_002582.4 (MANE Select); coding-DNA position 1559, A replaced by G.
Protein change: p.Lys520Arg; replaces lysine 520 with arginine.
Molecular consequence: missense variant.
Genome position (GRCh38, 1-based): chr16:14,482,749, T>C on the plus strand (A>G on the coding strand, the complement: PARN is on the minus strand). VCF-style: chr16-14482749-T-C. GRCh37 (hg19) VCF-style: chr16-14576606-T-C.
Other names: c.1376A>G, p.Lys459Arg (NM_001134477.3); c.1421A>G, p.Lys474Arg (NM_001242992.2); short protein forms K459R, K474R, K520R.
Identifiers: ClinVar variation 3748480 (VCV003748480.2).

ClinVar aggregate classification (germline): Uncertain significance (1 of 4 stars; one submission).

Conditions:
Dyskeratosis congenita, autosomal recessive 6 (DKCB6). Identifiers: MedGen C4225356, MONDO:0014600, OMIM 616353.
Pulmonary fibrosis and/or bone marrow failure, Telomere-related, 4. Also called: PULMONARY FIBROSIS AND/OR BONE MARROW FAILURE SYNDROME, TELOMERE-RELATED, 4. Identifiers: Orphanet 2032, MedGen C4225347, MONDO:0014612, OMIM 616371.

Submission:

Labcorp Genetics (formerly Invitae), Labcorp
Classification: Uncertain significance for Dyskeratosis congenita, autosomal recessive 6; Pulmonary fibrosis and/or bone marrow failure, Telomere-related, 4. Last evaluated: 2025-01-19. Review status: criteria provided, single submitter. Criteria: Invitae Variant Classification Sherloc (09022015). Collection method: clinical testing. Allele origin: germline.
Comment: This sequence change replaces lysine, which is basic and polar, with arginine, which is basic and polar, at codon 520 of the PARN protein (p.Lys520Arg). This variant is not present in population databases (gnomAD no frequency). This variant has not been reported in the literature in individuals affected with PARN-related conditions. An algorithm developed to predict the effect of missense changes on protein structure and function (PolyPhen-2) suggests that this variant is likely to be tolerated. In summary, the available evidence is currently insufficient to determine the role of this variant in disease. Therefore, it has been classified as a Variant of Uncertain Significance.